The following is an entry in ClinVar:

ClinVar aggregate classification (germline): Uncertain significance (1 of 4 stars; one submission).

Submission:

GeneDx
Classification: Uncertain significance. Last evaluated: 2025-10-28. Review status: criteria provided, single submitter. Criteria: GeneDx Variant Classification Process June 2021. Collection method: clinical testing. Allele origin: germline.
Comment: Not observed at significant frequency in large population cohorts (gnomAD); In silico analysis supports that this missense variant has a deleterious effect on protein structure/function; Has not been previously published as pathogenic or benign to our knowledge

NM_181303.2(NLGN3):c.2104C>T (p.Arg702Cys)

Gene: NLGN3 (neuroligin 3; plus strand). Cytogenetic location: Xq13.1.
Variant type: single nucleotide variant.
Coding change: c.2104C>T on transcript NM_181303.2 (MANE Select); coding-DNA position 2104, C replaced by T.
Protein change: p.Arg702Cys; replaces arginine 702 with cysteine.
Molecular consequence: missense variant.
Genome position (GRCh38, 1-based): chrX:71,169,654, C>T. VCF-style: chrX-71169654-C-T. GRCh37 (hg19) VCF-style: chrX-70389504-C-T.
Other names: c.1984C>T, p.Arg662Cys (NM_001166660.2); c.1693C>T, p.Arg565Cys (NM_001321276.2); c.2044C>T, p.Arg682Cys (NM_018977.4); short protein forms R565C, R662C, R682C, R702C.
Identifiers: ClinVar variation 3343890 (VCV003343890.2).